The following is an entry in ClinVar:

NM_006231.4(POLE):c.515C>T (p.Pro172Leu)

Gene: POLE (DNA polymerase epsilon, catalytic subunit; minus strand). Cytogenetic location: 12q24.33.
Variant type: single nucleotide variant.
Coding change: c.515C>T on transcript NM_006231.4 (MANE Select); coding-DNA position 515, C replaced by T.
Protein change: p.Pro172Leu; replaces proline 172 with leucine.
Molecular consequence: missense variant.
Genome position (GRCh38, 1-based): chr12:132,679,560, G>A on the plus strand (C>T on the coding strand, the complement: POLE is on the minus strand). VCF-style: chr12-132679560-G-A. GRCh37 (hg19) VCF-style: chr12-133256146-G-A.
Other names: short protein forms P172L.
Identifiers: ClinVar variation 3017322 (VCV003017322.3), dbSNP rs2043123378, ClinGen allele CA387367046.

ClinVar aggregate classification (germline): Uncertain significance (1 of 4 stars; one submission).

Submission:

Labcorp Genetics (formerly Invitae), Labcorp
Classification: Uncertain significance. Last evaluated: 2025-10-09. Review status: criteria provided, single submitter. Criteria: Invitae Variant Classification Sherloc (09022015). Collection method: clinical testing. Allele origin: germline.
Comment: This sequence change replaces proline, which is neutral and non-polar, with leucine, which is neutral and non-polar, at codon 172 of the POLE protein (p.Pro172Leu). This variant is not present in population databases (gnomAD no frequency). This variant has not been reported in the literature in individuals affected with POLE-related conditions. ClinVar contains an entry for this variant (Variation ID: 3017322). Invitae Evidence Modeling of protein sequence and biophysical properties (such as structural, functional, and spatial information, amino acid conservation, physicochemical variation, residue mobility, and thermodynamic stability) indicates that this missense variant is not expected to disrupt POLE protein function with a negative predictive value of 80%. In summary, the available evidence is currently insufficient to determine the role of this variant in disease. Therefore, it has been classified as a Variant of Uncertain Significance.